The following is an entry in ClinVar:

ClinVar aggregate classification (germline): Likely pathogenic (1 of 4 stars; one submission).

Submission:

Labcorp Genetics (formerly Invitae), Labcorp
Classification: Likely pathogenic. Last evaluated: 2023-09-26. Review status: criteria provided, single submitter. Criteria: Invitae Variant Classification Sherloc (09022015). Collection method: clinical testing. Allele origin: germline.
Comment: This sequence change replaces glutamine, which is neutral and polar, with histidine, which is basic and polar, at codon 386 of the FH protein (p.Gln386His). This variant disrupts the p.Gln386 amino acid residue in FH. Other variant(s) that disrupt this residue have been determined to be pathogenic (PMID: 21398687, 25292446). This suggests that this residue is clinically significant, and that variants that disrupt this residue are likely to be disease-causing. In summary, the currently available evidence indicates that the variant is pathogenic, but additional data are needed to prove that conclusively. Therefore, this variant has been classified as Likely Pathogenic. Advanced modeling of protein sequence and biophysical properties (such as structural, functional, and spatial information, amino acid conservation, physicochemical variation, residue mobility, and thermodynamic stability) performed at Invitae indicates that this missense variant is expected to disrupt FH protein function. ClinVar contains an entry for this variant (Variation ID: 1468692). This missense change has been observed in individual(s) with uterine leiomyoma(s) (PMID: 31564060; Invitae). This variant is not present in population databases (gnomAD no frequency).

Literature cited by the submitters: PubMed 21398687; PubMed 25292446; PubMed 31564060.

NM_000143.4(FH):c.1158A>C (p.Gln386His)

Gene: FH (fumarate hydratase; minus strand). Cytogenetic location: 1q43.
Variant type: single nucleotide variant.
Coding change: c.1158A>C on transcript NM_000143.4 (MANE Select); coding-DNA position 1158, A replaced by C.
Protein change: p.Gln386His; replaces glutamine 386 with histidine.
Molecular consequence: missense variant.
Genome position (GRCh38, 1-based): chr1:241,502,521, T>G on the plus strand (A>C on the coding strand, the complement: FH is on the minus strand). VCF-style: chr1-241502521-T-G. GRCh37 (hg19) VCF-style: chr1-241665821-T-G.
Other names: short protein forms Q386H.
Identifiers: ClinVar variation 1468692 (VCV001468692.6), dbSNP rs2147914951, ClinGen allele CA345437487.